The following is an entry in ClinVar:

NM_001042681.2(RERE):c.2572C>T (p.Gln858Ter)

Gene: RERE (arginine-glutamic acid dipeptide repeats; minus strand). Cytogenetic location: 1p36.23.
Variant type: single nucleotide variant.
Coding change: c.2572C>T on transcript NM_001042681.2 (MANE Select); coding-DNA position 2572, C replaced by T.
Protein change: p.Gln858Ter; replaces glutamine 858 with a stop codon.
Molecular consequence: nonsense.
Genome position (GRCh38, 1-based): chr1:8,360,935, G>A on the plus strand (C>T on the coding strand, the complement: RERE is on the minus strand). VCF-style: chr1-8360935-G-A. GRCh37 (hg19) VCF-style: chr1-8420995-G-A.
Other names: c.910C>T, p.Gln304Ter (NM_001042682.2); c.2572C>T, p.Gln858Ter (NM_012102.4); short protein forms Q304*, Q858*.
Identifiers: ClinVar variation 4863233 (VCV004863233.2).

ClinVar aggregate classification (germline): Pathogenic/Likely pathogenic. Review status: criteria provided, multiple submitters, no conflicts (2 of 4 stars). 2 submissions from 2 submitters: Pathogenic (1); Likely pathogenic (1). Last evaluated 2026-06-01.

Conditions:
Inborn genetic diseases. Identifiers: MedGen C0950123, MeSH D030342.
RERE-related disorder. Also called: RERE-related condition; RERE-Related Disorders. Identifiers: MedGen CN381537.

Submissions (2):

Ambry Genetics
Classification: Pathogenic for Inborn genetic diseases. Last evaluated: 2026-06-01. Review status: criteria provided, single submitter. Criteria: Ambry Variant Classification Scheme 2023. Collection method: clinical testing. Allele origin: germline.
Comment: The c.2572C>T (p.Q858*) alteration, located in exon 19 (coding exon 17) of the RERE gene, consists of a C to T substitution at nucleotide position 2572. This changes the amino acid from a glutamine (Q) to a stop codon at amino acid position 858. This variant is expected to result in loss of function by premature protein truncation or nonsense-mediated mRNA decay. This variant was not reported in population-based cohorts in the Genome Aggregation Database (gnomAD). Based on the available evidence, this alteration is classified as pathogenic.

Blueprint Genetics
Classification: Likely pathogenic for RERE-related disorders. Last evaluated: 2022-03-15. Review status: criteria provided, single submitter. Criteria: ACMG Guidelines, 2015. Collection method: clinical testing. Allele origin: germline. Affected: yes. Observed: 1 variant allele.